The following is an entry in ClinVar:

ClinVar aggregate classification (germline): Uncertain significance (1 of 4 stars; one submission).

gnomAD v4.1: 2 of 1,211,167 alleles (0.00017%); highest among the groups gnomAD compares: Admixed American, 0.0022%; no homozygotes.

Submission:

Labcorp Genetics (formerly Invitae), Labcorp
Classification: Uncertain significance. Last evaluated: 2025-10-10. Review status: criteria provided, single submitter. Criteria: Invitae Variant Classification Sherloc (09022015). Collection method: clinical testing. Allele origin: germline.
Comment: This sequence change replaces arginine, which is basic and polar, with glutamine, which is neutral and polar, at codon 849 of the USP9X protein (p.Arg849Gln). This variant is not present in population databases (gnomAD no frequency). This variant has not been reported in the literature in individuals affected with USP9X-related conditions. An algorithm developed to predict the effect of missense changes on protein structure and function (PolyPhen-2) suggests that this variant is likely to be disruptive. In summary, the available evidence is currently insufficient to determine the role of this variant in disease. Therefore, it has been classified as a Variant of Uncertain Significance.

NM_001039591.3(USP9X):c.2546G>A (p.Arg849Gln)

Gene: USP9X (ubiquitin specific peptidase 9 X-linked; plus strand). Cytogenetic location: Xp11.4.
Variant type: single nucleotide variant.
Coding change: c.2546G>A on transcript NM_001039591.3 (MANE Select); coding-DNA position 2546, G replaced by A.
Protein change: p.Arg849Gln; replaces arginine 849 with glutamine.
Molecular consequence: missense variant.
Genome position (GRCh38, 1-based): chrX:41,168,128, G>A. VCF-style: chrX-41168128-G-A. GRCh37 (hg19) VCF-style: chrX-41027381-G-A.
Other names: c.2546G>A, p.Arg849Gln (NM_001039590.3); c.2561G>A, p.Arg854Gln (NM_001410748.1, NM_001410749.1, NM_001437534.1); short protein forms R849Q, R854Q.
Identifiers: ClinVar variation 4769231 (VCV004769231.1).